The following is an entry in ClinVar:

NM_000431.4(MVK):c.85C>G (p.Leu29Val)

Gene: MVK (mevalonate kinase; plus strand). Cytogenetic location: 12q24.11.
Variant type: single nucleotide variant.
Coding change: c.85C>G on transcript NM_000431.4 (MANE Select); coding-DNA position 85, C replaced by G.
Protein change: p.Leu29Val; replaces leucine 29 with valine.
Molecular consequence: missense variant. On other transcripts: 5 prime UTR variant (1), non-coding transcript variant (4).
Genome position (GRCh38, 1-based): chr12:109,576,004, C>G. VCF-style: chr12-109576004-C-G. GRCh37 (hg19) VCF-style: chr12-110013809-C-G.
Other names: c.85C>G, p.Leu29Val (NM_001114185.3, NM_001301182.2, NM_001414511.1 and 3 more transcripts); c.-498C>G (NM_001414515.1); short protein forms L29V.
Identifiers: ClinVar variation 4790552 (VCV004790552.1).
Genomic context (GRCh38, chr12:109,576,004, plus strand): 5'-TGGCCCCTTTGCCACTCACCCTCAGGCTTATTGCTTTTGTCATTTATTCTATAGGTAGCA[C>G]TGGCTGTATCCTTGAACTTGAGAACATTCCTCCGGCTTCAACCCCACAGCAATGGGAAAG-3'
Protein context (NP_000422.1, residues 19-39): EHAVVHGKVA[Leu29Val]AVSLNLRTFL

ClinVar aggregate classification (germline): Uncertain significance (1 of 4 stars; one submission).

Conditions:
Mevalonic aciduria (MEVA). Identifiers: Orphanet 29, MedGen C1959626, MONDO:0012481, OMIM 610377.
Hyperimmunoglobulin D with periodic fever (HIDS). Also called: HYPERIMMUNOGLOBULINEMIA D AND PERIODIC FEVER SYNDROME; Hyperimmunoglobulinemia D; Hyperimmunoglobulinemia D with periodic fever. Identifiers: Orphanet 343, MedGen C0398691, MONDO:0009849, OMIM 260920.
Porokeratosis 3, disseminated superficial actinic type (POROK3). Also called: POROKERATOSIS, DISSEMINATED SUPERFICIAL ACTINIC, 1; POROKERATOSIS 3, MULTIPLE TYPES; POROKERATOSIS 3, MIBELLI TYPE. Identifiers: MedGen C1867981, MONDO:0008293, OMIM 175900.

gnomAD v4.1: 3 of 1,614,214 alleles (0.00019%); highest among the groups gnomAD compares: East Asian, 0.0045%; no homozygotes.

Submission:

Labcorp Genetics (formerly Invitae), Labcorp
Classification: Uncertain significance for Mevalonic aciduria; Hyperimmunoglobulin D with periodic fever; Porokeratosis 3, disseminated superficial actinic type. Last evaluated: 2025-10-25. Review status: criteria provided, single submitter. Criteria: Invitae Variant Classification Sherloc (09022015). Collection method: clinical testing. Allele origin: germline.
Comment: This sequence change replaces leucine, which is neutral and non-polar, with valine, which is neutral and non-polar, at codon 29 of the MVK protein (p.Leu29Val). This variant is present in population databases (no rsID available, gnomAD 0.006%). This variant has not been reported in the literature in individuals affected with MVK-related conditions. Invitae Evidence Modeling of protein sequence and biophysical properties (such as structural, functional, and spatial information, amino acid conservation, physicochemical variation, residue mobility, and thermodynamic stability) has been performed for this missense variant. However, the output from this modeling did not meet the statistical confidence thresholds required to predict the impact of this variant on MVK protein function. In summary, the available evidence is currently insufficient to determine the role of this variant in disease. Therefore, it has been classified as a Variant of Uncertain Significance.